The following is an entry in ClinVar:

NM_001089.3(ABCA3):c.4477G>T (p.Ala1493Ser)

Gene: ABCA3 (ATP binding cassette subfamily A member 3; minus strand). Cytogenetic location: 16p13.3.
Variant type: single nucleotide variant.
Coding change: c.4477G>T on transcript NM_001089.3 (MANE Select); coding-DNA position 4477, G replaced by T.
Protein change: p.Ala1493Ser; replaces alanine 1493 with serine.
Molecular consequence: missense variant.
Genome position (GRCh38, 1-based): chr16:2,279,013, C>A on the plus strand (G>T on the coding strand, the complement: ABCA3 is on the minus strand). VCF-style: chr16-2279013-C-A. GRCh37 (hg19) VCF-style: chr16-2329014-C-A.
Other names: short protein forms A1493S.
Identifiers: ClinVar variation 1740864 (VCV001740864.2), dbSNP rs200641283, ClinGen allele CA276820709.

ClinVar aggregate classification (germline): Uncertain significance (1 of 4 stars; one submission).

Conditions:
Hereditary pulmonary alveolar proteinosis. Also called: Pulmonary surfactant metabolism dysfunction. Identifiers: Orphanet 264675, MedGen C3711368, MONDO:0012580.

Allele frequency attached by ClinVar (database versions not stated): TOPMed below 0.00001; gnomAD 0.00001; gnomAD exomes 0.00001; 1000 Genomes Project 30x 0.00016; 1000 Genomes Project 0.00020.
gnomAD v4.1: 7 of 1,613,548 alleles (0.00043%); highest among the groups gnomAD compares: Non-Finnish European, 0.00059%; no homozygotes.

Submission:

Ambry Genetics
Classification: Uncertain significance for Hereditary pulmonary alveolar proteinosis. Last evaluated: 2014-07-02. Review status: criteria provided, single submitter. Criteria: Ambry Variant Classification Scheme 2023. Collection method: clinical testing. Allele origin: germline.
Comment: The p.A1493S variant (also known as c.4477G>T), located in coding exon 26 of the ABCA3 gene, results from a G to T substitution at nucleotide position 4477. The alanine at codon 1493 is replaced by serine, an amino acid with some similar properties. This variant was previously reported in the SNPDatabase as rs200641283. Based on data from the 1000 Genomes Project, the T-allele has an overall frequency of approximately 0.05% (1/2098). The single occurrence was one of 170 (0.59%) British alleles. In the NHLBI Exome Sequencing Project (ESP), this variant was not observed in 6498 samples (12,996 alleles) with coverage at this position. This amino acid position is not conserved in available vertebrate species, and serine is the reference amino acid in several lower species. In addition, this alteration is predicted to be tolerated by in silico analysis. Since supporting evidence is limited at this time, the clinical significance of this variant remains unclear.